The following is an entry in ClinVar:

NM_138576.4(BCL11B):c.583G>A (p.Gly195Arg)

Gene: BCL11B (BCL11 transcription factor B; minus strand). Cytogenetic location: 14q32.2.
Variant type: single nucleotide variant.
Coding change: c.583G>A on transcript NM_138576.4 (MANE Select); coding-DNA position 583, G replaced by A.
Protein change: p.Gly195Arg; replaces glycine 195 with arginine.
Molecular consequence: missense variant. On other transcripts: intron variant (2).
Genome position (GRCh38, 1-based): chr14:99,231,402, C>T on the plus strand (G>A on the coding strand, the complement: BCL11B is on the minus strand). VCF-style: chr14-99231402-C-T. GRCh37 (hg19) VCF-style: chr14-99697739-C-T.
Other names: c.580G>A, p.Gly194Arg (NM_001282237.2); c.424+26069G>A (NM_001282238.2); c.427+26069G>A (NM_022898.3); short protein forms G194R, G195R.
Identifiers: ClinVar variation 1368743 (VCV001368743.8), dbSNP rs760296292, ClinGen allele CA7339852.

ClinVar aggregate classification (germline): Uncertain significance (1 of 4 stars; one submission).

Allele frequency attached by ClinVar (database versions not stated): gnomAD 0.00001; TOPMed 0.00002; gnomAD exomes 0.00005; ExAC 0.00006.
gnomAD v4.1: 63 of 1,599,232 alleles (0.0039%); highest among the groups gnomAD compares: South Asian, 0.024%; no homozygotes.

Submission:

Labcorp Genetics (formerly Invitae), Labcorp
Classification: Uncertain significance. Last evaluated: 2022-11-01. Review status: criteria provided, single submitter. Criteria: Invitae Variant Classification Sherloc (09022015). Collection method: clinical testing. Allele origin: germline.
Comment: In summary, the available evidence is currently insufficient to determine the role of this variant in disease. Therefore, it has been classified as a Variant of Uncertain Significance. Algorithms developed to predict the effect of missense changes on protein structure and function are either unavailable or do not agree on the potential impact of this missense change (SIFT: "Deleterious"; PolyPhen-2: "Possibly Damaging"; Align-GVGD: "Class C0"). ClinVar contains an entry for this variant (Variation ID: 1368743). This variant has not been reported in the literature in individuals affected with BCL11B-related conditions. This variant is present in population databases (rs760296292, gnomAD 0.02%). This sequence change replaces glycine, which is neutral and non-polar, with arginine, which is basic and polar, at codon 195 of the BCL11B protein (p.Gly195Arg).